The following is an entry in ClinVar:

NM_001048174.2(MUTYH):c.849+3A>C

Gene: MUTYH (mutY DNA glycosylase; minus strand). Cytogenetic location: 1p34.1.
Variant type: single nucleotide variant.
Coding change: c.849+3A>C on transcript NM_001048174.2 (MANE Select); 3 bases into the intron after coding-DNA position 849, A replaced by C.
Molecular consequence: intron variant.
Genome position (GRCh38, 1-based): chr1:45,332,163, T>G on the plus strand (A>C on the coding strand, the complement: MUTYH is on the minus strand). VCF-style: chr1-45332163-T-G. GRCh37 (hg19) VCF-style: chr1-45797835-T-G.
Other names: p.?; c.504+3A>C (NM_001350651.2, NM_001350650.2); c.573+3A>C (NM_001293192.2, NM_001293196.2); c.849+3A>C (NM_001048171.2, NM_001048173.2, NM_001293195.2); c.894+3A>C (NM_001293190.2); c.924+3A>C (NM_012222.3); c.933+3A>C (NM_001128425.2); c.852+3A>C (NM_001048172.2); and 1 more.
Identifiers: ClinVar variation 135992 (VCV000135992.104), dbSNP rs587780751, ClinGen allele CA014676.
Genomic context (GRCh38, chr1:45,332,163, plus strand): 5'-TGAGTGTCATAGGGCAGAGTCACTCCTTAGGACTTCTCACTGCCCCTTCCCCAGTAGGCT[T>G]ACTCTCTGGCGTGCCCGGCACAGGCTCTCCACAGGGCACTGGCTGCACAGTGGGCGCTGT-3'

ClinVar aggregate classification (germline): Pathogenic/Likely pathogenic. Review status: criteria provided, multiple submitters, no conflicts (2 of 4 stars). 32 submissions from 31 submitters: Pathogenic (27); Likely pathogenic (2). 3 of the submissions do not count toward it. Last evaluated 2026-09-01.

Conditions:
MUTYH-related disorder. Also called: MUTYH-related condition; MUTYH-related disorders.
Gastric cancer. Also called: Malignant tumor of stomach; Stomach cancer. Identifiers: MedGen C0024623, MeSH D013274, MONDO:0001056, OMIM 613659, HP:0012126.
Familial adenomatous polyposis 2. Also called: MUTYH Polyposis; Adenomas, multiple colorectal; MYH-associated polyposis; COLORECTAL ADENOMATOUS POLYPOSIS, AUTOSOMAL RECESSIVE; ADENOMAS, MULTIPLE COLORECTAL, AUTOSOMAL RECESSIVE; FAP type 2. Identifiers: Orphanet 220460, Orphanet 247798, MedGen C3272841, MONDO:0012041, OMIM 608456.
Hereditary cancer-predisposing syndrome. Also called: Neoplastic Syndromes, Hereditary; Tumor predisposition; Hereditary neoplastic syndrome; Hereditary Cancer Syndrome. Identifiers: Orphanet 140162, MedGen C0027672, MeSH D009386, MONDO:0015356.
Carcinoma of colon (CRC). Also called: Colonic carcinoma; Colon carcinoma. Identifiers: MedGen C0699790, MONDO:0002032.
Colon cancer. Also called: Malignant tumor of colon. Identifiers: MedGen C0007102, MONDO:0021063, HP:0003003.

Allele frequency attached by ClinVar (database versions not stated): ExAC 0.00007; gnomAD exomes 0.00008 and 0.00009; TOPMed 0.00009; gnomAD 0.00011 and 0.00013.
gnomAD v4.1: 145 of 1,614,040 alleles (0.009%); highest among the groups gnomAD compares: Non-Finnish European, 0.012%; no homozygotes.

Submissions 1 to 10 of 33:

CeGaT Center for Human Genetics Tuebingen
Classification: Pathogenic. Last evaluated: 2026-09-01. Review status: criteria provided, single submitter. Criteria: CeGaT Center For Human Genetics Tuebingen Variant Classification Criteria Version 2. Collection method: clinical testing. Allele origin: germline. Affected: yes. Observed: 7 variant alleles.
Comment: MUTYH: PVS1, PM2:Supporting, PM3:Supporting

Dasa
Classification: Pathogenic. Last evaluated: 2026-02-17. Review status: criteria provided, single submitter. Criteria: DASA Assertion Criteria. Collection method: clinical testing. Allele origin: germline.
Comment: NM_001048174.2(MUTYH):c.849+3A>C is a splice-region variant predicted to affect normal RNA splicing. This variant has been observed in affected individuals with related phenotype in a genotype context consistent with recessive disease (PMID: 16616356; PMID: 22865608; PMID: 28135145; PMID: 6616356). Functional evidence supports a deleterious effect on the gene or gene product (PMID: 16616356; PMID: 22865608; PMID: 28135145; PMID: 6616356). This variant has been recurrently observed in individuals with related phenotype (PMID: 16616356; PMID: 22865608; PMID: 28135145; PMID: 6616356). The variant is present at low frequency in population datasets. Based on the available data, this variant is classified as pathogenic.

Labcorp Genetics (formerly Invitae), Labcorp
Classification: Pathogenic for Familial adenomatous polyposis 2. Last evaluated: 2026-01-10. Review status: criteria provided, single submitter. Criteria: Invitae Variant Classification Sherloc (09022015). Collection method: clinical testing. Allele origin: germline.
Comment: This sequence change falls in intron 10 of the MUTYH gene. It does not directly change the encoded amino acid sequence of the MUTYH protein. RNA analysis indicates that this variant induces altered splicing and may result in an absent or altered protein product. This variant is present in population databases (rs587780751, gnomAD 0.01%). This variant has been observed in individual(s) with adenomatous polyposis (PMID: 12853198, 16616356, 19732775, 22773231, 22865608). In at least one individual the data is consistent with being in trans (on the opposite chromosome) from a pathogenic variant. It is commonly reported in individuals of North-Eastern Italy ancestry (PMID: 12853198, 16616356, 19732775, 22773231, 22865608). This variant is also known as c.891+3A>C. ClinVar contains an entry for this variant (Variation ID: 135992). Variants that disrupt the consensus splice site are a relatively common cause of aberrant splicing (PMID: 17576681, 9536098). Studies have shown that this variant results in skipping of exon 10, and produces a non-functional protein and/or introduces a premature termination codon (PMID: 16616356, 22865608; internal data). For these reasons, this variant has been classified as Pathogenic.

Center for Genomic Medicine, Rigshospitalet, Copenhagen University Hospital
Classification: Pathogenic. Last evaluated: 2025-12-29. Review status: criteria provided, single submitter. Criteria: ACMG Guidelines, 2015. Collection method: clinical testing. Allele origin: germline.
Comment: Classification criteria: PS1_supporting, PP3, PVS1, PM3

PreventionGenetics, part of Exact Sciences
Classification: Pathogenic for MUTYH-related condition. Last evaluated: 2025-12-03. Review status: criteria provided, single submitter. Criteria: ACMG Guidelines, 2015. Collection method: clinical testing. Allele origin: germline.
Comment: The MUTYH c.933+3A>C variant is predicted to interfere with splicing. This variant, either in a homozygous state or compound heterozygous state with a second pathogenic variant, has been reported to be causative for autosomal recessive MUTYH-associated polyposis (Sampson et al. 2003. PubMed ID: 12853198, reported as 891+3A>C; Pin et al. 2013. PubMed ID: 22865608; Ricci et al. 2017. PubMed ID: 27829682; Urso et al. 2012. PubMed ID: 22773231; Ricci et al. 2016. PubMed ID: 27829682; Daans et al. 2020. PubMed ID: 32088803). Analysis of RNA splicing indicates this variant disrupts normal splicing resulting in exon 10 skipping and a prematurely truncated MUTYH protein (Kanter-Smoler et al. 2006. PubMed ID: 16616356; Pin et al. 2012. PubMed ID: 22865608). It is reported in 0.014% of alleles in individuals of European (Non-Finnish) descent in gnomAD and is interpreted as pathogenic in ClinVar (Variation ID: 135992). This variant is interpreted as pathogenic.

Unidad de Genética Molecular HGU Elche, Hospital General Universitario de Elche
Classification: Likely pathogenic for Hereditary cancer-predisposing syndrome. Last evaluated: 2025-05-05. Review status: criteria provided, single submitter. Criteria: ACMG Guidelines, 2015. Collection method: clinical testing. Allele origin: germline. Affected: yes.
Comment: PVS1; PS3; PM3; PP3; PP5

Women's Health and Genetics/Laboratory Corporation of America, LabCorp
Classification: Pathogenic for Familial adenomatous polyposis 2. Last evaluated: 2025-03-05. Review status: criteria provided, single submitter. Criteria: LabCorp Variant Classification Summary - May 2015. Collection method: clinical testing. Allele origin: germline.
Comment: Variant summary: MUTYH c.933+3A>C alters a nucleotide located close to a canonical splice site and therefore could affect mRNA splicing, leading to a significantly altered protein sequence. At least one publication reports experimental evidence that this variant affects mRNA splicing. The variant allele was found at a frequency of 7.5e-05 in 254418 control chromosomes. This frequency is not significantly higher than estimated for a pathogenic variant in MUTYH causing MUTYH-Associated Polyposis (7.5e-05 vs 0.0046), allowing no conclusion about variant significance. c.933+3A>C has been reported in the literature in multiple individuals affected with MUTYH-Associated Polyposis (e.g., Avezzu_2008, Croitoru_2004, Kanter-Smoler_2006, Morak_2010, Ricci_2016, Pin_2012). These data indicate that the variant is very likely to be associated with disease. Functional studies confirm the variant to result in exon 10 skipping and traces of additional transcripts retaining intron 11, with and without exon 10 (Pin_2012). Additionally, a patient homozygous for the variant had traces of correctly spliced MUTYH transcript (about 10% of the total amount; Pin_2012).The following publications have been ascertained in the context of this evaluation (PMID: 27069254, 16616356, 18495334, 20618354, 27829682, 22865608, 12497635, 15523092). ClinVar contains an entry for this variant (Variation ID: 135992). Based on the evidence outlined above, the variant was classified as pathogenic.

Mayo Clinic Laboratories, Mayo Clinic
Classification: Pathogenic. Last evaluated: 2024-11-11. Review status: criteria provided, single submitter. Criteria: ACMG Guidelines, 2015. Collection method: clinical testing. Allele origin: germline. Observed: 2 variant alleles.
Comment: PP4, PM3_very_strong, PS3_supporting, PVS1

Ambry Genetics
Classification: Pathogenic for Hereditary cancer-predisposing syndrome. Last evaluated: 2024-10-26. Review status: criteria provided, single submitter. Criteria: Ambry Variant Classification Scheme 2023. Collection method: clinical testing. Allele origin: germline.
Comment: The c.933+3A>C intronic pathogenic mutation results from an A to C substitution 3 nucleotides after coding exon 10 in the MUTYH gene. This alteration has been well described in the literature, and has been reported in both the homozygous and compound heterozygous state with other MUTYH alterations in multiple individuals with MUTYH-associated polyposis (Vogt S et al. Gastroenterology. 2009 Dec;137:1976-85; Urso ED et al. Surg Endosc, 2013 Jan;27:207-13; Ricci MT et al. J Hum Genet, 2017 Feb;62:309-315; Sutcliffe EG et al. Fam Cancer, 2019 04;18:203-209; Daans CG et al. Fam Cancer, 2020 04;19:183-187; Ambry internal data). This alteration has also been described as a founder mutation in the Northeastern Italian and German populations (Pin E et al. Int. J. Cancer. 2013 Mar;132:1060-9). Of note, this alteration is also designated as c.891+3A>C in published literature. RNA studies have demonstrated this alteration results in abnormal splicing in the set of samples tested (Ambry internal data). This nucleotide position is not well conserved in available vertebrate species. In silico splice site analysis predicts that this alteration will weaken the native splice donor site. Based on the available evidence, this alteration is interpreted as a disease-causing mutation.

Blueprint Genetics
Classification: Pathogenic for MUTYH-related disorders. Last evaluated: 2024-07-25. Review status: criteria provided, single submitter. Criteria: ACMG Guidelines, 2015. Collection method: clinical testing. Allele origin: germline. Affected: yes. Observed: 5 variant alleles.